The following is an entry in ClinVar:

ClinVar aggregate classification (germline): Conflicting classifications of pathogenicity. Review status: criteria provided, conflicting classifications (1 of 4 stars). 2 submissions from 2 submitters: Pathogenic (1); Uncertain significance (1). Last evaluated 2022-05-29.

Conditions:
Nuclear pulverulent cataract (CTRCT2). Identifiers: MedGen C1852438, HP:0010698.

Submissions (2):

Labcorp Genetics (formerly Invitae), Labcorp
Classification: Uncertain significance for Nuclear pulverulent cataract. Last evaluated: 2022-05-29. Review status: criteria provided, single submitter. Criteria: Invitae Variant Classification Sherloc (09022015). Collection method: clinical testing. Allele origin: germline.
Comment: Algorithms developed to predict the effect of sequence changes on RNA splicing suggest that this variant may create or strengthen a splice site. In summary, the available evidence is currently insufficient to determine the role of this variant in disease. Therefore, it has been classified as a Variant of Uncertain Significance. ClinVar contains an entry for this variant (Variation ID: 871306). This premature translational stop signal has been observed in individuals with congenital cataracts (PMID: 25148791; Invitae). This variant is not present in population databases (gnomAD no frequency). This sequence change creates a premature translational stop signal (p.Tyr134*) in the CRYGC gene. While this is not anticipated to result in nonsense mediated decay, it is expected to disrupt the last 41 amino acid(s) of the CRYGC protein.

CeGaT Center for Human Genetics Tuebingen
Classification: Pathogenic. Last evaluated: 2018-11-01. Review status: criteria provided, single submitter. Criteria: CeGaT Center For Human Genetics Tuebingen Variant Classification Criteria Version 2. Collection method: clinical testing. Allele origin: germline. Affected: yes. Observed: 2 variant alleles.

Literature cited by the submitters: PubMed 25148791 (cited by Labcorp Genetics (formerly Invitae), Labcorp).

NM_020989.4(CRYGC):c.402C>G (p.Tyr134Ter)

Genes: CRYGC (crystallin gamma C; minus strand), LOC100507443 (uncharacterized LOC100507443; plus strand). Cytogenetic location: 2q33.3.
Variant type: single nucleotide variant.
Coding change: c.402C>G on transcript NM_020989.4 (MANE Select); coding-DNA position 402, C replaced by G.
Protein change: p.Tyr134Ter; replaces tyrosine 134 with a stop codon.
Molecular consequence: nonsense.
Genome position (GRCh38, 1-based): chr2:208,128,326, G>C on the plus strand (C>G on the coding strand, the complement: CRYGC is on the minus strand). VCF-style: chr2-208128326-G-C. GRCh37 (hg19) VCF-style: chr2-208993050-G-C.
Other names: short protein forms Y134*.
Identifiers: ClinVar variation 871306 (VCV000871306.48), dbSNP rs200505176, ClinGen allele CA350093932.